The following is an entry in ClinVar:

NM_018294.6(CWF19L1):c.931TCT[1] (p.Ser312del)

Gene: CWF19L1 (CWF19 like cell cycle control factor 1; minus strand). Cytogenetic location: 10q24.31.
Variant type: Microsatellite.
Coding change: c.931TCT[1] on transcript NM_018294.6 (MANE Select); one copy of the 3-base unit TCT starting at c.931; the reference has two copies in a row; one copy, 3 bases deleted; also written c.934_936del.
Protein change: p.Ser312del; deletes serine 312.
Molecular consequence: inframe deletion.
Genome position (GRCh38, 1-based): chr10:100,245,827-100,245,829, AGA deleted on the plus strand (TCT on the coding strand, the reverse complement: CWF19L1 is on the minus strand); deleting any 3 consecutive bases within chr10:100,245,827-100,245,832 gives the same sequence; the position shown is the placement nearest the transcript's 3' end. VCF-style (leftmost placement, unchanged base first): chr10-100245826-GAGA-G. GRCh37 (hg19) VCF-style: chr10-102005583-GAGA-G.
Other names: p.Ser312del; c.931TCT[1], p.Ser312del (NM_001303404.2); c.520TCT[1], p.Ser175del (NM_001303405.2, NM_001303406.2); c.934_936del (NM_018294.6); c.196TCT[1], p.Ser67del (NM_001303407.2); short protein forms S175del, S312del, S67del.
Identifiers: ClinVar variation 4541572 (VCV004541572.1).

ClinVar aggregate classification (germline): Uncertain significance (1 of 4 stars; one submission).

Submission:

Mayo Clinic Laboratories, Mayo Clinic
Classification: Uncertain significance. Last evaluated: 2025-06-12. Review status: criteria provided, single submitter. Criteria: ACMG Guidelines, 2015. Collection method: clinical testing. Allele origin: germline. Observed: 1 variant allele.
Comment: PM4